The following is an entry in ClinVar:

ClinVar aggregate classification (germline): Pathogenic (0 of 4 stars; one submission).

Conditions:
Fanconi anemia complementation group A (FANCA). Also called: Fanconi anemia, group A; FANCA-Related Fanconi Anemia. Identifiers: Orphanet 84, MedGen C3469521, MONDO:0009215, OMIM 227650.

Submission:

Leiden Open Variation Database
Classification: Pathogenic for Fanconi anemia complementation group A. Last evaluated: 2020-02-28. Review status: no assertion criteria provided. Collection method: curation. Allele origin: germline. Affected: yes.
Comment: Curator: Arleen D. Auerbach. Submitter to LOVD: Arleen D. Auerbach.

Literature cited by the submitters: PubMed 25168418.

NC_000016.10:g.88310445_88314136del

Gene: ZNF469 (zinc finger protein 469; plus strand). Cytogenetic location: 16q24.2.
Variant type: Deletion.
Genome position: GRCh38: chr16:88,310,445-88,314,136. GRCh37 (hg19): chr16:88,344,051-88,347,742.
Identifiers: ClinVar variation 974152 (VCV000974152.2), ClinGen allele CA1139664932.